The following is an entry in ClinVar:

NM_000051.4(ATM):c.2181C>T (p.Gly727=)

Gene: ATM (ATM serine/threonine kinase; plus strand). Cytogenetic location: 11q22.3.
Variant type: single nucleotide variant.
Coding change: c.2181C>T on transcript NM_000051.4 (MANE Select); coding-DNA position 2181, C replaced by T.
Protein change: p.Gly727=; no amino-acid change (glycine 727 retained).
Molecular consequence: synonymous variant.
Genome position (GRCh38, 1-based): chr11:108,256,271, C>T. VCF-style: chr11-108256271-C-T. GRCh37 (hg19) VCF-style: chr11-108126998-C-T.
Other names: c.2181C>T, p.Gly727= (NM_001351834.2).
Identifiers: ClinVar variation 230909 (VCV000230909.62), dbSNP rs876658836, ClinGen allele CA10579041.

ClinVar aggregate classification (germline): Benign/Likely benign. Review status: criteria provided, multiple submitters, no conflicts (2 of 4 stars). 6 submissions from 6 submitters: Benign (1); Likely benign (5). Last evaluated 2025-12-22.

Conditions:
Hereditary cancer-predisposing syndrome. Also called: Neoplastic Syndromes, Hereditary; Hereditary Cancer Syndrome; Tumor predisposition; Hereditary neoplastic syndrome. Identifiers: Orphanet 140162, MedGen C0027672, MeSH D009386, MONDO:0015356.
Familial cancer of breast. Also called: Hereditary breast cancer; hereditary breast carcinoma; BREAST CANCER, FAMILIAL. Identifiers: Orphanet 227535, MedGen C0346153, MONDO:0016419, OMIM 114480. Disease mechanism: loss of function.
Ataxia-telangiectasia syndrome (AT). Also called: Cerebello-oculocutaneous telangiectasia; Immunodeficiency with ataxia telangiectasia; Ataxia-telangiectasia, complementation group D; AT, COMPLEMENTATION GROUP C; Ataxia-telangiectasia, complementation group E; Ataxia-telangiectasia. Identifiers: Orphanet 100, MedGen C0004135, MONDO:0008840, OMIM 208900.

Allele frequency attached by ClinVar (database versions not stated): gnomAD exomes below 0.00001; gnomAD 0.00001; TOPMed 0.00006.
gnomAD v4.1: 3 of 1,610,718 alleles (0.00019%); highest among the groups gnomAD compares: Non-Finnish European, 0.00017%; no homozygotes.

Submissions (6):

Labcorp Genetics (formerly Invitae), Labcorp
Classification: Likely benign for Ataxia-telangiectasia syndrome. Last evaluated: 2025-12-22. Review status: criteria provided, single submitter. Criteria: Invitae Variant Classification Sherloc (09022015). Collection method: clinical testing. Allele origin: germline.

Myriad Genetics, Inc.
Classification: Benign for Familial cancer of breast. Last evaluated: 2024-05-07. Review status: criteria provided, single submitter. Criteria: Myriad Autosomal Dominant, Autosomal Recessive and X-Linked Classification Criteria (2023). Collection method: clinical testing. Allele origin: unknown.
Comment: This variant is considered benign. This variant is a silent/synonymous amino acid change and it is not expected to impact splicing.

CeGaT Center for Human Genetics Tuebingen
Classification: Likely benign. Last evaluated: 2024-05-01. Review status: criteria provided, single submitter. Criteria: CeGaT Center For Human Genetics Tuebingen Variant Classification Criteria Version 2. Collection method: clinical testing. Allele origin: germline. Affected: yes. Observed: 3 variant alleles.
Comment: ATM: BP4, BP7

GeneDx
Classification: Likely benign. Last evaluated: 2019-07-12. Review status: criteria provided, single submitter. Criteria: GeneDx Variant Classification Process June 2021. Collection method: clinical testing. Allele origin: germline. Affected: yes.

Color Diagnostics, LLC DBA Color Health
Classification: Likely benign for Hereditary cancer-predisposing syndrome. Last evaluated: 2017-10-12. Review status: criteria provided, single submitter. Criteria: ACMG Guidelines, 2015. Collection method: clinical testing. Allele origin: germline.

Ambry Genetics
Classification: Likely benign for Hereditary cancer-predisposing syndrome. Last evaluated: 2015-03-17. Review status: criteria provided, single submitter. Criteria: Ambry Variant Classification Scheme 2023. Collection method: clinical testing. Allele origin: germline.